The following is an entry in ClinVar:

ClinVar aggregate classification (germline): Uncertain significance (1 of 4 stars; one submission).

Conditions:
Spastic paraplegia. Identifiers: MedGen C0037772, HP:0001258.

Allele frequency attached by ClinVar (database versions not stated): TOPMed below 0.00001.

Submission:

Labcorp Genetics (formerly Invitae), Labcorp
Classification: Uncertain significance for Spastic paraplegia. Last evaluated: 2023-06-29. Review status: criteria provided, single submitter. Criteria: Invitae Variant Classification Sherloc (09022015). Collection method: clinical testing. Allele origin: germline.
Comment: Algorithms developed to predict the effect of missense changes on protein structure and function output the following: SIFT: "Not Available"; PolyPhen-2: "Benign"; Align-GVGD: "Not Available". The isoleucine amino acid residue is found in multiple mammalian species, which suggests that this missense change does not adversely affect protein function. ClinVar contains an entry for this variant (Variation ID: 2008669). This variant has not been reported in the literature in individuals affected with AP4E1-related conditions. This variant is not present in population databases (gnomAD no frequency). This sequence change replaces valine, which is neutral and non-polar, with isoleucine, which is neutral and non-polar, at codon 312 of the AP4E1 protein (p.Val312Ile). In summary, the available evidence is currently insufficient to determine the role of this variant in disease. Therefore, it has been classified as a Variant of Uncertain Significance.

NM_007347.5(AP4E1):c.934G>A (p.Val312Ile)

Gene: AP4E1 (adaptor related protein complex 4 subunit epsilon 1; plus strand). Cytogenetic location: 15q21.2.
Variant type: single nucleotide variant.
Coding change: c.934G>A on transcript NM_007347.5 (MANE Select); coding-DNA position 934, G replaced by A.
Protein change: p.Val312Ile; replaces valine 312 with isoleucine.
Molecular consequence: missense variant.
Genome position (GRCh38, 1-based): chr15:50,934,688, G>A. VCF-style: chr15-50934688-G-A. GRCh37 (hg19) VCF-style: chr15-51226885-G-A.
Other names: c.709G>A, p.Val237Ile (NM_001252127.2); short protein forms V237I, V312I.
Identifiers: ClinVar variation 2008669 (VCV002008669.4), dbSNP rs2063883952, ClinGen allele CA392416514.